The following is an entry in ClinVar:

ClinVar aggregate classification (germline): Benign. Review status: criteria provided, multiple submitters, no conflicts (2 of 4 stars). 2 submissions from 2 submitters: Benign (2). Last evaluated 2018-06-14.

Allele frequency attached by ClinVar (database versions not stated): 1000 Genomes Project 30x 0.86696; TOPMed 0.86893; 1000 Genomes Project 0.87081; gnomAD 0.88268 and 0.88710; gnomAD exomes 0.94153.
gnomAD v4.1: 651,280 of 701,156 alleles (93%); highest among the groups gnomAD compares: South Asian, 97%; 304,043 homozygotes.

Submissions (2):

GeneDx
Classification: Benign. Last evaluated: 2018-06-14. Review status: criteria provided, single submitter. Criteria: GeneDx Variant Classification (06012015). Collection method: clinical testing. Allele origin: germline. Affected: yes.
Comment: This variant is considered likely benign or benign based on one or more of the following criteria: it is a conservative change, it occurs at a poorly conserved position in the protein, it is predicted to be benign by multiple in silico algorithms, and/or has population frequency not consistent with disease.

Breakthrough Genomics
Classification: Benign. Review status: criteria provided, single submitter. Criteria: ACMG Guidelines, 2015. Collection method: not provided. Allele origin: germline. Inheritance: Autosomal recessive inheritance. Affected: yes.

NM_001077365.2(POMT1):c.987-173C>T

Gene: POMT1 (protein O-mannosyltransferase 1; plus strand). Cytogenetic location: 9q34.13.
Variant type: single nucleotide variant.
Coding change: c.987-173C>T on transcript NM_001077365.2 (MANE Select); 173 bases into the intron before coding-DNA position 987, C replaced by T.
Molecular consequence: intron variant.
Genome position (GRCh38, 1-based): chr9:131,511,868, C>T. VCF-style: chr9-131511868-C-T. GRCh37 (hg19) VCF-style: chr9-134387255-C-T.
Other names: c.891-173C>T (NM_001353198.2, NM_001353197.2); c.1053-173C>T (NM_001353193.2, NM_007171.4); c.987-173C>T (NM_001136113.2, NM_001374690.1); c.825-173C>T (NM_001353194.2, NM_001077366.2); c.636-173C>T (NM_001374691.1, NM_001353195.2, NM_001374692.1 and 1 more transcripts); c.897-173C>T (NM_001353196.2); c.597-173C>T (NM_001374695.1); c.975-173C>T (NM_001374689.1); and 3 more.
Identifiers: ClinVar variation 668004 (VCV000668004.2), dbSNP rs10901067, ClinGen allele CA13040139.